The following is an entry in ClinVar:

ClinVar aggregate classification (germline): Pathogenic (1 of 4 stars; one submission).

Conditions:
Neurofibromatosis, type 2 (SWNV). Also called: SCHWANNOMATOSIS, VESTIBULAR; BILATERAL ACOUSTIC NEUROFIBROMATOSIS; NF2-Related Schwannomatosis. Identifiers: Orphanet 637, MedGen C0027832, MONDO:0007039, OMIM 101000. Disease mechanism: loss of function.

Submissions (2):

Labcorp Genetics (formerly Invitae), Labcorp
Classification: Pathogenic for Neurofibromatosis, type 2. Last evaluated: 2022-05-14. Review status: criteria provided, single submitter. Criteria: Invitae Variant Classification Sherloc (09022015). Collection method: clinical testing. Allele origin: germline.
Comment: For these reasons, this variant has been classified as Pathogenic. Algorithms developed to predict the effect of sequence changes on RNA splicing suggest that this variant may disrupt the consensus splice site. Disruption of this splice site has been observed in individuals with clinical features of neurofibromatosis, type 2 (PMID: 15684865, 17607601; Invitae). This variant is not present in population databases (gnomAD no frequency). This sequence change affects an acceptor splice site in intron 7 of the NF2 gene. It is expected to disrupt RNA splicing. Variants that disrupt the donor or acceptor splice site typically lead to a loss of protein function (PMID: 16199547), and loss-of-function variants in NF2 are known to be pathogenic (PMID: 9643284, 16983642).

Dr. Peter K. Rogan Lab, Western University
No classification provided (evidence only). Condition: Mesothelioma. Review status: no classification provided. Collection method: in vitro. Allele origin: not applicable. Functional consequence: skipped exon. Not counted in ClinVar's aggregate classification.

Literature cited by the submitters: PubMed 15684865 (cited by Labcorp Genetics (formerly Invitae), Labcorp); PubMed 17607601 (cited by Labcorp Genetics (formerly Invitae), Labcorp); PubMed 16199547 (cited by Labcorp Genetics (formerly Invitae), Labcorp); PubMed 9643284 (cited by Labcorp Genetics (formerly Invitae), Labcorp); PubMed 16983642 (cited by Labcorp Genetics (formerly Invitae), Labcorp).

NM_000268.4(NF2):c.676-1G>T

Gene: NF2 (NF2, moesin-ezrin-radixin like (MERLIN) tumor suppressor; plus strand). Cytogenetic location: 22q12.2.
Variant type: single nucleotide variant.
Coding change: c.676-1G>T on transcript NM_000268.4 (MANE Select); the canonical splice acceptor site of the intron before coding-DNA position 676, G replaced by T.
Molecular consequence: splice acceptor variant. On other transcripts: intron variant (4).
Genome position (GRCh38, 1-based): chr22:29,661,204, G>T. VCF-style: chr22-29661204-G-T. GRCh37 (hg19) VCF-style: chr22-30057193-G-T.
Other names: c.676-1G>T (NM_016418.5, NM_181832.3, NM_001407060.1 and 2 more transcripts); c.562-1G>T (NM_001407056.1, NM_001407053.1); c.445-1G>T (NM_001407067.1); c.142-1G>T (NM_001407065.1); c.675+2940G>T (NM_001407059.1, NM_001407057.1); c.447+18919G>T (NM_181833.3); c.553-1G>T (NM_001407058.1, NM_181829.3, NM_001407054.1); c.552+2940G>T (NM_001407062.1); and 2 more.
Identifiers: ClinVar variation 2138431 (VCV002138431.5), dbSNP rs2147007533, ClinGen allele CA411143643.
Genomic context (GRCh38, chr22:29,661,204, plus strand): 5'-GTTGAATAAAATTTTGAGCCTCAGCTGGCGCTTACAGTAGCTGTTCTTATTGGATCCACA[G>T]AATAAAAAGGGCACAGAGCTGCTGCTTGGAGTGGATGCCCTGGGGCTTCACATTTATGAC-3'